The following is an entry in ClinVar:

NM_181552.4(CUX1):c.1289dup (p.Pro431fs)

Gene: CUX1 (cut like homeobox 1; plus strand). Cytogenetic location: 7q22.1.
Variant type: Duplication.
Coding change: c.1289dup on transcript NM_181552.4 (MANE Select); coding-DNA position 1289, one base duplicated (C; older notation c.1289dupC).
Protein change: p.Pro431fs; shifts the reading frame from proline 431.
Molecular consequence: frameshift variant. On other transcripts: intron variant (5).
Genome position (GRCh38, 1-based): chr7:102,196,700, C duplicated; the last of 7 consecutive C bases (chr7:102,196,694-102,196,700); duplicating any one gives the same sequence. VCF-style (leftmost placement, unchanged base first): chr7-102196693-G-GC. GRCh37 (hg19) VCF-style: chr7-101839973-G-GC.
Other names: c.1322dup (NM_001202543.1); c.1322dup, p.Pro442fs (NM_001202543.2); c.1255+1097dup (NM_001913.5); c.1249+1097dup (NM_181500.4); c.1117+1097dup (NM_001202545.3); c.1207+1097dup (NM_001202544.3); c.1138+1097dup (NM_001202546.3); short protein forms P431fs, P442fs.
Identifiers: ClinVar variation 3366947 (VCV003366947.3).
Genomic context (GRCh38, chr7:102,196,693, plus strand): 5'-GGGTCAGCCAGGAGGAAAGGGAAAGACCAGCCTGAAAGTCGGCGCCCGGGATCTTTGCCG[G>GC]CCCCCCCTCCTTCTCAGTTGCCCCGCAACCCGGGGGAGCAGGCTTCCAATACTAATGGTA-3'

ClinVar aggregate classification (germline): Pathogenic. Review status: criteria provided, multiple submitters, no conflicts (2 of 4 stars). 3 submissions from 3 submitters: Pathogenic (3). Last evaluated 2026-01-31.

Conditions:
Global developmental delay with or without impaired intellectual development. Identifiers: MedGen C5193032, MONDO:0032680, OMIM 618330.

Submissions (3):

GeneDx
Classification: Pathogenic. Last evaluated: 2026-01-31. Review status: criteria provided, single submitter. Criteria: GeneDx Variant Classification Process June 2021. Collection method: clinical testing. Allele origin: germline.
Comment: Frameshift variant predicted to result in protein truncation or nonsense mediated decay in a gene for which loss of function is a known mechanism of disease; Has not been previously published as pathogenic or benign to our knowledge

3billion
Classification: Pathogenic for Global developmental delay with or without impaired intellectual development. Last evaluated: 2026-01-22. Review status: criteria provided, single submitter. Criteria: ACMG Guidelines, 2015. Collection method: clinical testing. Allele origin: germline. Affected: yes.
Comment: The variant is observed at an extremely low frequency in the gnomAD v4.1.0 dataset (total allele frequency: <0.001%). Predicted Consequence/Location: Frameshift: predicted to result in a loss or disruption of normal protein function through nonsense-mediated decay (NMD) or protein truncation. Multiple pathogenic variants are reported downstream of the variant. The variant has been reported to be associated with CUX1-related disorder (ClinVar ID: VCV003366947). Therefore, this variant is classified as Pathogenic according to the recommendation of ACMG/AMP guideline.

Institute of Immunology and Genetics Kaiserslautern
Classification: Pathogenic for Global developmental delay with or without impaired intellectual development. Last evaluated: 2022-11-18. Review status: criteria provided, single submitter. Criteria: ACMG Guidelines, 2015. Collection method: clinical testing. Allele origin: de novo. Affected: yes.
Comment: ACMG Criteria: PVS1, PS2, PM2; Variant was found in heterozygous state. De novo-status was confirmed via in-house segregation analysis.